The following is an entry in ClinVar:

NM_021625.5(TRPV4):c.1981C>T (p.Arg661Cys)

Gene: TRPV4 (transient receptor potential cation channel subfamily V member 4; minus strand). Cytogenetic location: 12q24.11.
Variant type: single nucleotide variant.
Coding change: c.1981C>T on transcript NM_021625.5 (MANE Select); coding-DNA position 1981, C replaced by T.
Protein change: p.Arg661Cys; replaces arginine 661 with cysteine.
Molecular consequence: missense variant.
Genome position (GRCh38, 1-based): chr12:109,788,627, G>A on the plus strand (C>T on the coding strand, the complement: TRPV4 is on the minus strand). VCF-style: chr12-109788627-G-A. GRCh37 (hg19) VCF-style: chr12-110226432-G-A.
Other names: c.1840C>T, p.Arg614Cys (NM_001177428.2); c.1879C>T, p.Arg627Cys (NM_001177431.2); c.1660C>T, p.Arg554Cys (NM_001177433.2); c.1801C>T, p.Arg601Cys (NM_147204.3); short protein forms R554C, R661C, R601C, R627C, R614C.
Identifiers: ClinVar variation 655488 (VCV000655488.11), dbSNP rs772074281, ClinGen allele CA6780040.

ClinVar aggregate classification (germline): Uncertain significance. Review status: criteria provided, multiple submitters, no conflicts (2 of 4 stars). 6 submissions from 6 submitters: Uncertain significance (6). Last evaluated 2026-05-26.

Conditions:
TRPV4-related bone disorder. Identifiers: Orphanet 364820, MedGen C5680977, MONDO:0018240.
Scapuloperoneal spinal muscular atrophy (SPSMA). Also called: Scapuloperoneal spinal muscular atrophy, autosomal dominant; Scapuloperoneal Form of Spinal Muscular Atrophy; Scapuloperoneal Spinal Muscular Atrophy, TRPV4-Related; AMYOTROPHY, NEUROGENIC SCAPULOPERONEAL, NEW ENGLAND TYPE. Identifiers: Orphanet 431255, MedGen C0751335, MONDO:0008408, OMIM 181405.
Charcot-Marie-Tooth disease axonal type 2C (HMSN2C). Also called: CHARCOT-MARIE-TOOTH DISEASE, AXONAL, AUTOSOMAL DOMINANT, TYPE 2C; Charcot-Marie-Tooth Neuropathy Type 2C; Charcot-Marie-Tooth Disease Type 2, TRPV4-Related (CMT2C). Identifiers: Orphanet 99937, MedGen C1853710, MONDO:0011633, OMIM 606071.
Inborn genetic diseases. Identifiers: MedGen C0950123, MeSH D030342.
Charcot-Marie-Tooth disease. Also called: Charcot-Marie-Tooth Hereditary Neuropathy; Charcot-Marie-Tooth Neuropathy. Identifiers: Orphanet 166, MedGen C0007959, MONDO:0015626.
TRPV4-related disorder. Also called: TRPV4-related disorders; TRPV4-related condition.

Allele frequency attached by ClinVar (database versions not stated): ExAC 0.00001; gnomAD exomes 0.00001 and 0.00002; gnomAD 0.00003; TOPMed 0.00003.
gnomAD v4.1: 17 of 1,614,134 alleles (0.0011%); highest among the groups gnomAD compares: Middle Eastern, 0.016%; no homozygotes.

Submissions (6):

PreventionGenetics, part of Exact Sciences
Classification: Uncertain significance for TRPV4-related condition. Last evaluated: 2026-05-26. Review status: criteria provided, single submitter. Criteria: ACMG Guidelines, 2015. Collection method: clinical testing. Allele origin: germline.
Comment: The TRPV4 c.1981C>T variant is predicted to result in the amino acid substitution p.Arg661Cys. This variant has been observed in an individual with spastic paraplegia (D'Amore et al. 2018. PubMed ID: 30564185) and reported as a variant of uncertain significance in individuals with neuropathy or Charcot-Marie-Tooth Disease (Table S6, Ganapathy et al. 2019. PubMed ID: 31069529; Suppl. Table 2, Volodarsky et al. 2020. PubMed ID: 32376792). This variant is reported in 0.011% of alleles in individuals of East Asian descent in gnomAD. At this time, the clinical significance of this variant is uncertain due to the absence of conclusive functional and genetic evidence.

Labcorp Genetics (formerly Invitae), Labcorp
Classification: Uncertain significance for Charcot-Marie-Tooth disease axonal type 2C. Last evaluated: 2022-09-16. Review status: criteria provided, single submitter. Criteria: Invitae Variant Classification Sherloc (09022015). Collection method: clinical testing. Allele origin: germline.
Comment: This sequence change replaces arginine, which is basic and polar, with cysteine, which is neutral and slightly polar, at codon 661 of the TRPV4 protein (p.Arg661Cys). This variant is present in population databases (rs772074281, gnomAD 0.01%). This missense change has been observed in individual(s) with clinical features of TRPV4-related conditions (PMID: 30564185). ClinVar contains an entry for this variant (Variation ID: 655488). Algorithms developed to predict the effect of missense changes on protein structure and function (SIFT, PolyPhen-2, Align-GVGD) all suggest that this variant is likely to be disruptive. In summary, the available evidence is currently insufficient to determine the role of this variant in disease. Therefore, it has been classified as a Variant of Uncertain Significance.

Blueprint Genetics
Classification: Uncertain significance. Last evaluated: 2021-12-30. Review status: criteria provided, single submitter. Criteria: ACMG Guidelines, 2015. Collection method: clinical testing. Allele origin: germline.

Ambry Genetics
Classification: Uncertain significance for Inborn genetic diseases. Last evaluated: 2020-12-16. Review status: criteria provided, single submitter. Criteria: Ambry Variant Classification Scheme 2023. Collection method: clinical testing. Allele origin: germline.
Comment: The p.R661C variant (also known as c.1981C>T), located in coding exon 12 of the TRPV4 gene, results from a C to T substitution at nucleotide position 1981. The arginine at codon 661 is replaced by cysteine, an amino acid with highly dissimilar properties. This variant was detected in an individual with hereditary spastic paraplegia; however, clinical details were limited (D'Amore A et al. Front Neurol, 2018 Dec;9:981). This amino acid position is highly conserved in available vertebrate species. In addition, this alteration is predicted to be deleterious by in silico analysis. Since supporting evidence is limited at this time, the clinical significance of this alteration remains unclear.

GeneDx
Classification: Uncertain significance. Last evaluated: 2019-10-18. Review status: criteria provided, single submitter. Criteria: GeneDx Variant Classification Process June 2021. Collection method: clinical testing. Allele origin: germline. Affected: yes.
Comment: Observed in a patient with hereditary spastic paraplegia in published literature (D'Amore et al., 2018); Not observed at a significant frequency in large population cohorts (Lek et al., 2016); In silico analysis, which includes protein predictors and evolutionary conservation, supports a deleterious effect; This variant is associated with the following publications: (PMID: 32376792, 30564185)

Molecular Genetics Laboratory, London Health Sciences Centre
Classification: Uncertain significance for Charcot-Marie-Tooth disease. Review status: criteria provided, single submitter. Criteria: ACMG Guidelines, 2015. Collection method: clinical testing. Allele origin: germline. Affected: yes.

Literature cited by the submitters: PubMed 30564185 (cited by Labcorp Genetics (formerly Invitae), Labcorp and Ambry Genetics).